The following is an entry in ClinVar:

NM_201384.3(PLEC):c.4952T>C (p.Val1651Ala)

Gene: PLEC (plectin; minus strand). Cytogenetic location: 8q24.3.
Variant type: single nucleotide variant.
Coding change: c.4952T>C on transcript NM_201384.3 (MANE Select); coding-DNA position 4952, T replaced by C.
Protein change: p.Val1651Ala; replaces valine 1651 with alanine.
Molecular consequence: missense variant.
Genome position (GRCh38, 1-based): chr8:143,924,977, A>G on the plus strand (T>C on the coding strand, the complement: PLEC is on the minus strand). VCF-style: chr8-143924977-A-G. GRCh37 (hg19) VCF-style: chr8-144999145-A-G.
Other names: c.5033T>C, p.Val1678Ala (NM_000445.5); c.4910T>C, p.Val1637Ala (NM_201378.4); c.4886T>C, p.Val1629Ala (NM_201379.3); c.5363T>C, p.Val1788Ala (NM_201380.4); c.4856T>C, p.Val1619Ala (NM_201381.3); c.4952T>C, p.Val1651Ala (NM_201382.4); c.4964T>C, p.Val1655Ala (NM_201383.3); short protein forms V1788A, V1629A, V1655A, V1619A, V1678A, V1637A, V1651A.
Identifiers: ClinVar variation 1043885 (VCV001043885.5), dbSNP rs1824450584, ClinGen allele CA372551306.

ClinVar aggregate classification (germline): Uncertain significance (1 of 4 stars; one submission).

Conditions:
Epidermolysis bullosa simplex 5B, with muscular dystrophy (EBS5B). Also called: EPIDERMOLYSIS BULLOSA SIMPLEX AND LIMB-GIRDLE MUSCULAR DYSTROPHY; Epidermolysis bullosa simplex with muscular dystrophy. Identifiers: Orphanet 257, MedGen C2931072, MONDO:0009181, OMIM 226670.
Epidermolysis bullosa simplex 5C, with pyloric atresia (EBS5C). Also called: Epidermolysis bullosa simplex with pyloric atresia; PLEC-Related Epidermolysis Bullosa with Pyloric Atresia; PLEC1-Related Epidermolysis Bullosa with Pyloric Atresia. Identifiers: Orphanet 158684, MedGen C2677349, MONDO:0012807, OMIM 612138.
Autosomal recessive limb-girdle muscular dystrophy type 2Q (LGMDR17). Also called: MUSCULAR DYSTROPHY, LIMB-GIRDLE, AUTOSOMAL RECESSIVE 17. Identifiers: Orphanet 254361, MedGen C3150989, MONDO:0013390, OMIM 613723.
Epidermolysis bullosa simplex with nail dystrophy (EBS5D). Identifiers: MedGen C4225309, MONDO:0014661, OMIM 616487.
Epidermolysis bullosa simplex, Ogna type (EBS5A). Also called: Pidermolysis bullosa simplex 5A, Ogna type; EPIDERMOLYSIS BULLOSA SIMPLEX 5A, OGNA TYPE. Identifiers: Orphanet 79401, MedGen C0432317, MONDO:0007555, OMIM 131950.

Allele frequency attached by ClinVar (database versions not stated): gnomAD exomes below 0.00001.
gnomAD v4.1: 4 of 1,574,208 alleles (0.00025%); highest among the groups gnomAD compares: Non-Finnish European, 0.00034%; no homozygotes.

Submission:

Labcorp Genetics (formerly Invitae), Labcorp
Classification: Uncertain significance for Autosomal recessive limb-girdle muscular dystrophy type 2Q; Epidermolysis bullosa simplex, Ogna type; Epidermolysis bullosa simplex with nail dystrophy; Epidermolysis bullosa simplex 5C, with pyloric atresia; Epidermolysis bullosa simplex 5B, with muscular dystrophy. Last evaluated: 2022-07-12. Review status: criteria provided, single submitter. Criteria: Invitae Variant Classification Sherloc (09022015). Collection method: clinical testing. Allele origin: germline.
Comment: ClinVar contains an entry for this variant (Variation ID: 1043885). This sequence change replaces valine, which is neutral and non-polar, with alanine, which is neutral and non-polar, at codon 1678 of the PLEC protein (p.Val1678Ala). This variant is not present in population databases (gnomAD no frequency). This variant has not been reported in the literature in individuals affected with PLEC-related conditions. Algorithms developed to predict the effect of missense changes on protein structure and function are either unavailable or do not agree on the potential impact of this missense change (SIFT: "Tolerated"; PolyPhen-2: "Not Available"; Align-GVGD: "Class C0"). In summary, the available evidence is currently insufficient to determine the role of this variant in disease. Therefore, it has been classified as a Variant of Uncertain Significance.